The following is an entry in ClinVar:

ClinVar aggregate classification (germline): Likely pathogenic (1 of 4 stars; one submission).

Conditions:
Autosomal recessive limb-girdle muscular dystrophy type 2J (LGMDR10). Also called: Limb-girdle muscular dystrophy, type 2J; MUSCULAR DYSTROPHY, LIMB-GIRDLE, AUTOSOMAL RECESSIVE 10. Identifiers: Orphanet 140922, MedGen C1837342, MONDO:0012127, OMIM 608807.
Dilated cardiomyopathy 1G (CMD1G). Identifiers: Orphanet 154, MedGen C1858763, MONDO:0011400, OMIM 604145.

gnomAD v4.1: 3 of 1,573,398 alleles (0.00019%); highest among the groups gnomAD compares: East Asian, 0.0023%; no homozygotes.

Submission:

Labcorp Genetics (formerly Invitae), Labcorp
Classification: Likely pathogenic for Dilated cardiomyopathy 1G; Autosomal recessive limb-girdle muscular dystrophy type 2J. Last evaluated: 2024-09-17. Review status: criteria provided, single submitter. Criteria: Invitae Variant Classification Sherloc (09022015). Collection method: clinical testing. Allele origin: germline.
Comment: This sequence change creates a premature translational stop signal (p.Glu1257*) in the TTN gene. While this is not anticipated to result in nonsense mediated decay, it is expected to create a truncated TTN protein. This variant is not present in population databases (gnomAD no frequency). This variant has not been reported in the literature in individuals affected with TTN-related conditions. This variant is located in the Z band of TTN (PMID: 25589632). Truncating variants in this region have been reported in individuals affected with autosomal recessive centronuclear myopathy (PMID: 33449170, internal data). Truncating variants in this region have also been identified in individuals affected with autosomal dominant dilated cardiomyopathy and/or cardio-related conditions (PMID: 27869827, 32964742, internal data). In summary, the currently available evidence indicates that the variant is pathogenic, but additional data are needed to prove that conclusively. Therefore, this variant has been classified as Likely Pathogenic.

Literature cited by the submitters: PubMed 25589632; PubMed 33449170; PubMed 27869827; PubMed 32964742.

NM_001267550.2(TTN):c.3769G>T (p.Glu1257Ter)

Genes: TTN (titin; minus strand), LOC101927055 (uncharacterized LOC101927055; plus strand). Cytogenetic location: 2q31.2.
Variant type: single nucleotide variant.
Coding change: c.3769G>T on transcript NM_001267550.2 (MANE Select); coding-DNA position 3769, G replaced by T.
Protein change: p.Glu1257Ter; replaces glutamic acid 1257 with a stop codon.
Molecular consequence: nonsense.
Genome position (GRCh38, 1-based): chr2:178,779,423, C>A on the plus strand (G>T on the coding strand, the complement: TTN is on the minus strand). VCF-style: chr2-178779423-C-A. GRCh37 (hg19) VCF-style: chr2-179644150-C-A.
Other names: c.3769G>T, p.Glu1257Ter (NM_001256850.1, NM_133378.4, NM_133379.5); c.3631G>T, p.Glu1211Ter (NM_003319.4, NM_133432.3, NM_133437.4); short protein forms E1211*, E1257*.
Identifiers: ClinVar variation 3752264 (VCV003752264.2).